The following is an entry in ClinVar:

ClinVar aggregate classification (germline): Uncertain significance (1 of 4 stars; one submission).

Submission:

Labcorp Genetics (formerly Invitae), Labcorp
Classification: Uncertain significance. Last evaluated: 2022-02-18. Review status: criteria provided, single submitter. Criteria: Invitae Variant Classification Sherloc (09022015). Collection method: clinical testing. Allele origin: germline.
Comment: In summary, the available evidence is currently insufficient to determine the role of this variant in disease. Therefore, it has been classified as a Variant of Uncertain Significance. Algorithms developed to predict the effect of missense changes on protein structure and function are either unavailable or do not agree on the potential impact of this missense change (SIFT: "Deleterious"; PolyPhen-2: "Probably Damaging"; Align-GVGD: "Class C0"). This sequence change replaces arginine, which is basic and polar, with tryptophan, which is neutral and slightly polar, at codon 413 of the NUP205 protein (p.Arg413Trp). This variant is not present in population databases (gnomAD no frequency). This variant has not been reported in the literature in individuals affected with NUP205-related conditions.

NM_015135.3(NUP205):c.1237C>T (p.Arg413Trp)

Gene: NUP205 (nucleoporin 205; plus strand). Cytogenetic location: 7q33.
Variant type: single nucleotide variant.
Coding change: c.1237C>T on transcript NM_015135.3 (MANE Select); coding-DNA position 1237, C replaced by T.
Protein change: p.Arg413Trp; replaces arginine 413 with tryptophan.
Molecular consequence: missense variant.
Genome position (GRCh38, 1-based): chr7:135,587,593, C>T. VCF-style: chr7-135587593-C-T. GRCh37 (hg19) VCF-style: chr7-135272341-C-T.
Other names: c.163C>T, p.Arg55Trp (NM_001329434.2); short protein forms R413W, R55W.
Identifiers: ClinVar variation 2173353 (VCV002173353.4), dbSNP rs1450380302, ClinGen allele CA369355891.
Genomic context (GRCh38, chr7:135,587,593, plus strand): 5'-AATACATTTACATATTAAAACTATATCTAATAAATTTAATAGGTGAAACAGCTGAGGAAT[C>T]GGGCAGATGAAGATGCTCGAATGATTCACATGAGTATGCAGATGGGTAATGAACCCCCCA-3'
Protein context (NP_055950.2, residues 403-423): MPMKVKQLRN[Arg413Trp]ADEDARMIHM